The following is an entry in ClinVar:

ClinVar aggregate classification (germline): Uncertain significance (1 of 4 stars; one submission).

Conditions:
Cerebroretinal microangiopathy with calcifications and cysts 1 (CRMCC1). Identifiers: Orphanet 313838, MedGen C4552029, MONDO:0024564, OMIM 612199.

Allele frequency attached by ClinVar (database versions not stated): gnomAD exomes below 0.00001.

Submission:

Neuberg Centre For Genomic Medicine, NCGM
Classification: Uncertain significance for Cerebroretinal microangiopathy with calcifications and cysts 1. Review status: criteria provided, single submitter. Criteria: ACMG Guidelines, 2015. Collection method: clinical testing. Allele origin: germline. Inheritance: Autosomal recessive inheritance. Affected: yes.
Comment: The observed missense variant c.1595C>T(p.Pro532Leu) in CTC1 gene has not been reported previously as a pathogenic variant nor as a benign variant, to our knowledge. The c.1595C>T variant is absent in gnomAD Exomes. The amino acid Proline at position 532 is changed to a Leucine changing protein sequence and it might alter its composition and physico-chemical properties. The amino acid change p.Pro532Leu in CTC1 is predicted as conserved by GERP++ and PhyloP across 100 vertebrates. For these reasons, this variant has been classified as Uncertain Significance.

NM_025099.6(CTC1):c.1595C>T (p.Pro532Leu)

Gene: CTC1 (CST telomere replication complex component 1; minus strand). Cytogenetic location: 17p13.1.
Variant type: single nucleotide variant.
Coding change: c.1595C>T on transcript NM_025099.6 (MANE Select); coding-DNA position 1595, C replaced by T.
Protein change: p.Pro532Leu; replaces proline 532 with leucine.
Molecular consequence: missense variant. On other transcripts: non-coding transcript variant (1).
Genome position (GRCh38, 1-based): chr17:8,234,771, G>A on the plus strand (C>T on the coding strand, the complement: CTC1 is on the minus strand). VCF-style: chr17-8234771-G-A. GRCh37 (hg19) VCF-style: chr17-8138089-G-A.
Other names: c.1595C>T, p.Pro532Leu (NM_001411067.1); short protein forms P532L.
Identifiers: ClinVar variation 3242120 (VCV003242120.1), dbSNP rs2507920194.